The following is an entry in ClinVar:

ClinVar aggregate classification (germline): Conflicting classifications of pathogenicity. Review status: criteria provided, conflicting classifications (1 of 4 stars). 4 submissions from 4 submitters: Uncertain significance (3); Likely benign (1). Last evaluated 2024-11-01.

Conditions:
Auditory neuropathy-optic atrophy syndrome. Also called: MULTIPLE MITOCHONDRIAL DYSFUNCTIONS SYNDROME 9A; AUDITORY NEUROPATHY AND OPTIC ATROPHY. Identifiers: Orphanet 542585, MedGen C4521678, MONDO:0060582, OMIM 617717.
Inborn genetic diseases. Identifiers: MedGen C0950123, MeSH D030342.

Allele frequency attached by ClinVar (database versions not stated): 1000 Genomes Project 0.00020; 1000 Genomes Project 30x 0.00031; ESP Exome Variant Server 0.00031; gnomAD 0.00048 and 0.00053; TOPMed 0.00049.
gnomAD v4.1: 1,215 of 1,611,354 alleles (0.075%); highest among the groups gnomAD compares: Non-Finnish European, 0.091%; 2 homozygotes.

Submissions (4):

Blueprint Genetics
Classification: Uncertain significance. Last evaluated: 2024-11-01. Review status: criteria provided, single submitter. Criteria: ACMG Guidelines, 2015. Collection method: clinical testing. Allele origin: germline.

CeGaT Center for Human Genetics Tuebingen
Classification: Likely benign. Last evaluated: 2022-10-01. Review status: criteria provided, single submitter. Criteria: CeGaT Center For Human Genetics Tuebingen Variant Classification Criteria Version 2. Collection method: clinical testing. Allele origin: germline. Affected: yes. Observed: 2 variant alleles.
Comment: FDXR: BP4

Victorian Clinical Genetics Services, Murdoch Childrens Research Institute
Classification: Uncertain significance for Auditory neuropathy-optic atrophy syndrome. Last evaluated: 2022-02-02. Review status: criteria provided, single submitter. Criteria: ACMG Guidelines, 2015. Collection method: clinical testing. Allele origin: germline. Inheritance: Autosomal recessive inheritance.
Comment: Based on the classification scheme VCGS_Germline_v1.3.4, this variant is classified as VUS-3B. Following criteria are met: 0102 - Loss of function is a known mechanism of disease in this gene and is associated with auditory neuropathy and optic atrophy (MIM#617717). (I) 0106 - This gene is associated with autosomal recessive disease. (I) 0200 - Variant is predicted to result in a missense amino acid change from arginine to cysteine. (I) 0251 - This variant is heterozygous. (I) 0304 - Variant is present in gnomAD (v2) <0.01 for a recessive condition (136 heterozygotes, 0 homozygotes). (SP) 0309 - An alternative amino acid change at the same position has been observed in gnomAD (v2) (3 heterozygotes, 0 homozygotes). (I) 0502 - Missense variant with conflicting in silico predictions and uninformative conservation. (I) 0604 - Variant is not located in an established domain, motif, hotspot or informative constraint region. (I) 0705 - No comparable missense variants have previous evidence for pathogenicity. (I) 0807 - This variant has no previous evidence of pathogenicity. (I) 0905 - No published segregation evidence has been identified for this variant. (I) 1007 - No published functional evidence has been identified for this variant. (I) 1208 - Inheritance information for this variant is not currently available in this individual. (I) Legend: (SP) - Supporting pathogenic, (I) - Information, (SB) - Supporting benign

Ambry Genetics
Classification: Uncertain significance for Inborn genetic diseases. Last evaluated: 2021-10-12. Review status: criteria provided, single submitter. Criteria: Ambry Variant Classification Scheme 2023. Collection method: clinical testing. Allele origin: germline.

NM_024417.5(FDXR):c.1459C>T (p.Arg487Cys)

Gene: FDXR (ferredoxin reductase; minus strand). Cytogenetic location: 17q25.1.
Variant type: single nucleotide variant.
Coding change: c.1459C>T on transcript NM_024417.5 (MANE Select); coding-DNA position 1459, C replaced by T.
Protein change: p.Arg487Cys; replaces arginine 487 with cysteine.
Molecular consequence: missense variant. On other transcripts: non-coding transcript variant (1).
Genome position (GRCh38, 1-based): chr17:74,862,834, G>A on the plus strand (C>T on the coding strand, the complement: FDXR is on the minus strand). VCF-style: chr17-74862834-G-A. GRCh37 (hg19) VCF-style: chr17-72858956-G-A.
Other names: c.1477C>T (NM_004110.3); c.1435C>T, p.Arg479Cys (NM_001258014.4); c.1339C>T, p.Arg447Cys (NM_001258015.3); c.1303C>T, p.Arg435Cys (NM_001258016.3); c.1477C>T, p.Arg493Cys (NM_004110.6); c.1588C>T, p.Arg530Cys (NM_001258012.4); c.1552C>T, p.Arg518Cys (NM_001258013.4); short protein forms R435C, R447C, R479C, R487C, R493C, R518C, R530C.
Identifiers: ClinVar variation 1699164 (VCV001699164.35), dbSNP rs143458938, ClinGen allele CA8752819.